The following is an entry in ClinVar:

NM_000059.4(BRCA2):c.9116C>A (p.Pro3039Gln)

Gene: BRCA2 (BRCA2 DNA repair associated; plus strand). Cytogenetic location: 13q13.1.
Variant type: single nucleotide variant.
Coding change: c.9116C>A on transcript NM_000059.4 (MANE Select); coding-DNA position 9116, C replaced by A.
Protein change: p.Pro3039Gln; replaces proline 3039 with glutamine.
Molecular consequence: missense variant. On other transcripts: non-coding transcript variant (1).
Genome position (GRCh38, 1-based): chr13:32,379,912, C>A. VCF-style: chr13-32379912-C-A. GRCh37 (hg19) VCF-style: chr13-32954049-C-A.
Other names: c.9020C>A, p.Pro3007Gln (NM_001406719.1); c.9065C>A, p.Pro3022Gln (NM_001406720.1); c.4184C>A, p.Pro1395Gln (NM_001406721.1); c.2699C>A, p.Pro900Gln (NM_001406722.1); short protein forms P1395Q, P3007Q, P3022Q, P3039Q, P900Q.
Identifiers: ClinVar variation 2578307 (VCV002578307.2), dbSNP rs80359167, ClinGen allele CA387757753.

ClinVar aggregate classification (germline): Conflicting classifications of pathogenicity. Review status: criteria provided, conflicting classifications (1 of 4 stars). 2 submissions from 2 submitters: Uncertain significance (1); Likely benign (1). Last evaluated 2026-07-31.

Conditions:
Hereditary cancer-predisposing syndrome. Also called: Hereditary neoplastic syndrome; Hereditary Cancer Syndrome; Neoplastic Syndromes, Hereditary; Tumor predisposition. Identifiers: Orphanet 140162, MedGen C0027672, MeSH D009386, MONDO:0015356.

Submissions (2):

Ambry Genetics
Classification: Likely benign for Hereditary cancer-predisposing syndrome. Last evaluated: 2026-07-31. Review status: criteria provided, single submitter. Criteria: Ambry Variant Classification Scheme 2023. Collection method: clinical testing. Allele origin: germline.

GeneDx
Classification: Uncertain significance. Last evaluated: 2023-03-03. Review status: criteria provided, single submitter. Criteria: GeneDx Variant Classification Process June 2021. Collection method: clinical testing. Allele origin: germline. Affected: yes.
Comment: Not observed at significant frequency in large population cohorts (gnomAD); In silico analysis supports that this missense variant does not alter protein structure/function; Has not been previously published as pathogenic or benign to our knowledge; Also known as 9344C>A; This variant is associated with the following publications: (PMID: 12228710)